The following is an entry in ClinVar:

ClinVar aggregate classification (germline): Uncertain significance (1 of 4 stars; one submission).

Allele frequency attached by ClinVar (database versions not stated): gnomAD exomes below 0.00001.
gnomAD v4.1: 2 of 1,614,170 alleles (0.00012%); highest among the groups gnomAD compares: Non-Finnish European, 0.00017%; no homozygotes.

Submission:

Labcorp Genetics (formerly Invitae), Labcorp
Classification: Uncertain significance. Last evaluated: 2023-10-17. Review status: criteria provided, single submitter. Criteria: Invitae Variant Classification Sherloc (09022015). Collection method: clinical testing. Allele origin: germline.
Comment: The OPA1 gene has multiple clinically relevant transcripts. This variant occurs in alternate transcript NM_130837.2, and corresponds to NM_015560.2:c.625-5457A>G in the primary transcript. This sequence change replaces arginine, which is basic and polar, with glycine, which is neutral and non-polar, at codon 248 of the OPA1 protein (p.Arg248Gly). This variant is not present in population databases (gnomAD no frequency). This variant has not been reported in the literature in individuals affected with OPA1-related conditions. Experimental studies and prediction algorithms are not available or were not evaluated, and the functional significance of this variant is currently unknown. In summary, the available evidence is currently insufficient to determine the role of this variant in disease. Therefore, it has been classified as a Variant of Uncertain Significance.

NM_130837.3(OPA1):c.742A>G (p.Arg248Gly)

Genes: OPA1 (OPA1 mitochondrial dynamin like GTPase; plus strand), OPA1-AS1 (OPA1 antisense RNA 1; minus strand). Cytogenetic location: 3q29.
Variant type: single nucleotide variant.
Coding change: c.742A>G on transcript NM_130837.3 (MANE Select); coding-DNA position 742, A replaced by G.
Protein change: p.Arg248Gly; replaces arginine 248 with glycine.
Molecular consequence: missense variant. On other transcripts: intron variant (5).
Genome position (GRCh38, 1-based): chr3:193,626,155, A>G. VCF-style: chr3-193626155-A-G. GRCh37 (hg19) VCF-style: chr3-193343944-A-G.
Other names: c.208A>G, p.Arg70Gly (NM_001354663.2); c.580A>G, p.Arg194Gly (NM_130833.3); c.634A>G, p.Arg212Gly (NM_130835.3); c.688A>G, p.Arg230Gly (NM_130836.3); c.253-5457A>G (NM_001354664.2); c.679-5457A>G (NM_130834.3); c.625-5457A>G (NM_015560.3); c.571-5457A>G (NM_130832.3); and 1 more; short protein forms R194G, R230G, R248G, R70G, R212G.
Identifiers: ClinVar variation 3000123 (VCV003000123.3), dbSNP rs2474698000, ClinGen allele CA355788663.